The following is an entry in ClinVar:

NC_000003.11:g.(?_10094061)_(10191659_?)dup

Genes: BRK1 (BRICK1 subunit of SCAR/WAVE actin nucleating complex; plus strand), FANCD2 (FA complementation group D2; plus strand), FANCD2OS (FANCD2 opposite strand; minus strand), VHL (von Hippel-Lindau tumor suppressor; plus strand), LOC107303338 (3p25 FANCD2 Alu-mediated recombination region; plus strand) and 4 more. Cytogenetic location: 3p25.3.
Variant type: Duplication.
Identifiers: ClinVar variation 654670 (VCV000654670.2).

ClinVar aggregate classification (germline): Uncertain significance (1 of 4 stars; one submission).

Conditions:
Chuvash polycythemia. Also called: POLYCYTHEMIA, VHL-DEPENDENT. Identifiers: Orphanet 238557, MedGen C1837915, MONDO:0009892, OMIM 263400.
Von Hippel-Lindau syndrome (VHLS). Also called: von Hippel–Lindau syndrome; VHL syndrome; Von Hippel-Lindau. Identifiers: Orphanet 892, MedGen C0019562, MONDO:0008667, OMIM 193300. Disease mechanism: loss of function.

Submission:

Labcorp Genetics (formerly Invitae), Labcorp
Classification: Uncertain significance for Von Hippel-Lindau syndrome; Erythrocytosis, familial, 2. Last evaluated: 2019-05-14. Review status: criteria provided, single submitter. Criteria: Invitae Variant Classification Sherloc (09022015). Collection method: clinical testing. Allele origin: germline.
Comment: This variant results in a copy number gain of the genomic region encompassing the full coding sequence of the VHL gene. The boundaries of this event are unknown as they extend beyond the assayed region for this gene and therefore may encompass additional genes. As the precise location of this event is unknown, it may be in tandem or it may be located elsewhere in the genome. This variant has not been reported in the literature in individuals with VHL-related conditions. In summary, the available evidence is currently insufficient to determine the role of this variant in disease. Therefore, it has been classified as a Variant of Uncertain Significance.